The following is an entry in ClinVar:

NM_003855.5(IL18R1):c.-29+1269C>T

Gene: IL18R1 (interleukin 18 receptor 1; plus strand). Cytogenetic location: 2q12.1.
Variant type: single nucleotide variant.
Coding change: c.-29+1269C>T on transcript NM_003855.5 (MANE Select); 1269 bases into the intron after 29 bases upstream of the start codon, C replaced by T.
Molecular consequence: intron variant.
Genome position (GRCh38, 1-based): chr2:102,357,669, C>T. VCF-style: chr2-102357669-C-T. GRCh37 (hg19) VCF-style: chr2-102974129-C-T.
Other names: c.-29+1269C>T (NM_001371418.1, NM_001371419.1, NM_001371420.1); c.-532+1269C>T (NM_001371422.1, NM_001371423.1); c.-366+1269C>T (NM_001371424.1); c.-551+1269C>T (NM_001371421.1); c.-307+1269C>T (NM_001282399.2).
Identifiers: ClinVar variation 916546 (VCV000916546.3), dbSNP rs12999364, ClinGen allele CA11214841.

ClinVar aggregate classification (germline): Benign; association. Review status: criteria provided, multiple submitters, no conflicts (2 of 4 stars). 2 submissions from 2 submitters: Benign (1). Last evaluated 2020-01-29.

Conditions:
Behcet disease (BD). Also called: Behcet Syndrome; Behcet's syndrome. Identifiers: Orphanet 117, MedGen C0004943, MONDO:0007191, OMIM 109650, MeSH D001528.

Allele frequency attached by ClinVar (database versions not stated): TOPMed 0.29920; 1000 Genomes Project 30x 0.30356; 1000 Genomes Project 0.30671; gnomAD 0.31121 and 0.31600.
gnomAD v4.1: 47,996 of 151,770 alleles (32%); highest among the groups gnomAD compares: Middle Eastern, 52%; 8,367 homozygotes.

Submissions (2):

Chongqing Key Laboratory of Ophthalmology and Chongqing Eye Institute, The First Affiliated Hospital of Chongqing Medical University
Classification: association for Behcet disease. Last evaluated: 2020-01-29. Review status: criteria provided, single submitter. Criteria: ACMG Guidelines, 2015. Collection method: case-control. Allele origin: unknown.

GeneDx
Classification: Benign. Last evaluated: 2018-07-13. Review status: criteria provided, single submitter. Criteria: GeneDx Variant Classification Process June 2021. Collection method: clinical testing. Allele origin: germline. Affected: yes.
Comment: This variant is associated with the following publications: (PMID: 28121058)